The following is an entry in ClinVar:

NM_001372.4(DNAH9):c.1181T>G (p.Leu394Arg)

Gene: DNAH9 (dynein axonemal heavy chain 9; plus strand). Cytogenetic location: 17p12.
Variant type: single nucleotide variant.
Coding change: c.1181T>G on transcript NM_001372.4 (MANE Select); coding-DNA position 1181, T replaced by G.
Protein change: p.Leu394Arg; replaces leucine 394 with arginine.
Molecular consequence: missense variant.
Genome position (GRCh38, 1-based): chr17:11,619,612, T>G. VCF-style: chr17-11619612-T-G. GRCh37 (hg19) VCF-style: chr17-11522929-T-G.
Other names: c.1181T>G (NM_001372.3); short protein forms L394R.
Identifiers: ClinVar variation 1499163 (VCV001499163.20), dbSNP rs772254293, ClinGen allele CA8394781.
Genomic context (GRCh38, chr17:11,619,612, plus strand): 5'-CTAATTATCTCAGCCCAGAAGACCTGCTGAGAAGTGAGGTAGAAGAAAGTCAGAGAAAAC[T>G]GCAAGTGGTCTCAGACACTTTGAGCTTCTTCAAGCAAGAGTTTCAGGACAGAAGGGAGAA-3'
Protein context (NP_001363.2, residues 384-404): RSEVEESQRK[Leu394Arg]QVVSDTLSFF

ClinVar aggregate classification (germline): Uncertain significance. Review status: criteria provided, multiple submitters, no conflicts (2 of 4 stars). 3 submissions from 3 submitters: Uncertain significance (3). Last evaluated 2024-10-01.

Allele frequency attached by ClinVar (database versions not stated): gnomAD 0.00004; TOPMed 0.00005; gnomAD exomes 0.00006; ExAC 0.00007.
gnomAD v4.1: 103 of 1,614,060 alleles (0.0064%); highest among the groups gnomAD compares: Middle Eastern, 0.049%; no homozygotes.

Submissions (3):

CeGaT Center for Human Genetics Tuebingen
Classification: Uncertain significance. Last evaluated: 2024-10-01. Review status: criteria provided, single submitter. Criteria: CeGaT Center For Human Genetics Tuebingen Variant Classification Criteria Version 2. Collection method: clinical testing. Allele origin: germline. Affected: yes. Observed: 1 variant allele.
Comment: DNAH9: PM2, BP4

GeneDx
Classification: Uncertain significance. Last evaluated: 2022-12-29. Review status: criteria provided, single submitter. Criteria: GeneDx Variant Classification Process June 2021. Collection method: clinical testing. Allele origin: germline. Affected: yes.
Comment: In silico analysis supports that this missense variant has a deleterious effect on protein structure/function; Has not been previously published as pathogenic or benign to our knowledge

Labcorp Genetics (formerly Invitae), Labcorp
Classification: Uncertain significance. Last evaluated: 2022-08-23. Review status: criteria provided, single submitter. Criteria: Invitae Variant Classification Sherloc (09022015). Collection method: clinical testing. Allele origin: germline.
Comment: This sequence change replaces leucine, which is neutral and non-polar, with arginine, which is basic and polar, at codon 394 of the DNAH9 protein (p.Leu394Arg). This variant is present in population databases (rs772254293, gnomAD 0.02%). This variant has not been reported in the literature in individuals affected with DNAH9-related conditions. ClinVar contains an entry for this variant (Variation ID: 1499163). Algorithms developed to predict the effect of missense changes on protein structure and function are either unavailable or do not agree on the potential impact of this missense change (SIFT: "Deleterious"; PolyPhen-2: "Probably Damaging"; Align-GVGD: "Class C0"). In summary, the available evidence is currently insufficient to determine the role of this variant in disease. Therefore, it has been classified as a Variant of Uncertain Significance.